The following is an entry in ClinVar:

ClinVar aggregate classification (germline): Pathogenic (1 of 4 stars; one submission).

Submission:

Labcorp Genetics (formerly Invitae), Labcorp
Classification: Pathogenic. Last evaluated: 2019-04-11. Review status: criteria provided, single submitter. Criteria: Invitae Variant Classification Sherloc (09022015). Collection method: clinical testing. Allele origin: germline.
Comment: This variant is a gross deletion of the genomic region encompassing exons 3-7 of the EYS gene, which includes the initiator codon. The 5' end of this event is unknown as it extends beyond the assayed region for this gene and therefore may encompass additional genes. The 3' boundary is likely confined to intron 7 of the EYS gene. This is expected to result in an absent or disrupted protein product. This variant has not been reported in the literature in individuals with EYS-related conditions. Loss-of-function variants in EYS are known to be pathogenic (PMID: 18836446, 20333770). For these reasons, this variant has been classified as Pathogenic.

NC_000006.12:g.(?_65402468)_(65495865_?)del

Gene: EYS (eyes shut homolog; minus strand). Cytogenetic location: 6q12.
Variant type: Deletion.
Identifiers: ClinVar variation 833464 (VCV000833464.1).